The following is an entry in ClinVar:

ClinVar aggregate classification (germline): Uncertain significance. Review status: criteria provided, multiple submitters, no conflicts (2 of 4 stars). 3 submissions from 3 submitters: Uncertain significance (3). Last evaluated 2026-07-07.

Conditions:
Hereditary cancer-predisposing syndrome. Also called: Neoplastic Syndromes, Hereditary; Hereditary Cancer Syndrome; Tumor predisposition; Hereditary neoplastic syndrome. Identifiers: Orphanet 140162, MedGen C0027672, MeSH D009386, MONDO:0015356.
Hereditary diffuse gastric adenocarcinoma (HDGC). Also called: DIFFUSE GASTRIC AND LOBULAR BREAST CANCER SYNDROME. Identifiers: Orphanet 26106, MedGen C1708349, MONDO:0007648, OMIM 137215.

Submissions (3):

Ambry Genetics
Classification: Uncertain significance for Hereditary cancer-predisposing syndrome. Last evaluated: 2026-07-07. Review status: criteria provided, single submitter. Criteria: Ambry Variant Classification Scheme 2023. Collection method: clinical testing. Allele origin: germline.
Comment: The p.E388G variant (also known as c.1163A>G), located in coding exon 9 of the CDH1 gene, results from an A to G substitution at nucleotide position 1163. The glutamic acid at codon 388 is replaced by glycine, an amino acid with similar properties. This amino acid position is conserved. In addition, this alteration is predicted to be tolerated by in silico analysis. Based on the available evidence, the clinical significance of this variant remains unclear.

Labcorp Genetics (formerly Invitae), Labcorp
Classification: Uncertain significance for Hereditary diffuse gastric adenocarcinoma. Last evaluated: 2024-06-26. Review status: criteria provided, single submitter. Criteria: Invitae Variant Classification Sherloc (09022015). Collection method: clinical testing. Allele origin: germline.
Comment: This sequence change replaces glutamic acid, which is acidic and polar, with glycine, which is neutral and non-polar, at codon 388 of the CDH1 protein (p.Glu388Gly). This variant is not present in population databases (gnomAD no frequency). This variant has not been reported in the literature in individuals affected with CDH1-related conditions. ClinVar contains an entry for this variant (Variation ID: 924077). An algorithm developed to predict the effect of missense changes on protein structure and function (PolyPhen-2) suggests that this variant is likely to be tolerated. In summary, the available evidence is currently insufficient to determine the role of this variant in disease. Therefore, it has been classified as a Variant of Uncertain Significance.

Color Diagnostics, LLC DBA Color Health
Classification: Uncertain significance for Hereditary cancer-predisposing syndrome. Last evaluated: 2024-03-07. Review status: criteria provided, single submitter. Criteria: ACMG Guidelines, 2015. Collection method: clinical testing. Allele origin: germline.
Comment: This missense variant replaces glutamic acid with glycine at codon 388 of the CDH1 protein. Computational prediction tool suggests that this variant may not impact protein structure and function (internally defined REVEL score threshold <=0.5, PMID: 27666373). Splice site prediction tools suggest that this variant may not impact RNA splicing. To our knowledge, functional studies have not been performed for this variant. This variant has not been reported in individuals affected with hereditary cancer in the literature. This variant has not been identified in the general population by the Genome Aggregation Database (gnomAD). The available evidence is insufficient to determine the role of this variant in disease conclusively. Therefore, this variant is classified as a Variant of Uncertain Significance.

NM_004360.5(CDH1):c.1163A>G (p.Glu388Gly)

Gene: CDH1 (cadherin 1; plus strand). Cytogenetic location: 16q22.1.
Variant type: single nucleotide variant.
Coding change: c.1163A>G on transcript NM_004360.5 (MANE Select); coding-DNA position 1163, A replaced by G.
Protein change: p.Glu388Gly; replaces glutamic acid 388 with glycine.
Molecular consequence: missense variant. On other transcripts: 5 prime UTR variant (2), intron variant (1).
Genome position (GRCh38, 1-based): chr16:68,813,338, A>G. VCF-style: chr16-68813338-A-G. GRCh37 (hg19) VCF-style: chr16-68847241-A-G.
Other names: c.-453A>G (NM_001317185.2); c.-657A>G (NM_001317186.2); c.1137+1075A>G (NM_001317184.2); c.1163A>G (NM_004360.3); short protein forms E388G.
Identifiers: ClinVar variation 924077 (VCV000924077.10), dbSNP rs1960890872, ClinGen allele CA396461111.